The following is an entry in ClinVar:

ClinVar aggregate classification (germline): Benign. Review status: criteria provided, multiple submitters, no conflicts (2 of 4 stars). 5 submissions from 5 submitters: Benign (5). Last evaluated 2025-05-20.

Conditions:
Cardiovascular phenotype. Identifiers: MedGen CN230736.
Cardiomyopathy (CMYO). Also called: Cardiomyopathies. Identifiers: Orphanet 167848, MedGen C0878544, MONDO:0004994, HP:0001638. Inheritance: Various modes of inheritance.

Allele frequency attached by ClinVar (database versions not stated): ExAC 0.00141; 1000 Genomes Project 0.00379; gnomAD 0.00409 and 0.00438; ESP Exome Variant Server 0.00584; 1000 Genomes Project 30x 0.00390; TOPMed 0.00469.
gnomAD v4.1: 1,424 of 1,614,164 alleles (0.088%); highest among the groups gnomAD compares: African/African-American, 1.4%; 10 homozygotes.

Submissions (5):

ARUP Laboratories, Molecular Genetics and Genomics, ARUP Laboratories
Classification: Benign. Last evaluated: 2025-05-20. Review status: criteria provided, single submitter. Criteria: ARUP Molecular Germline Variant Investigation Process 2024. Collection method: clinical testing. Allele origin: germline.

CHEO Genetics Diagnostic Laboratory, Children's Hospital of Eastern Ontario
Classification: Benign for Cardiomyopathy. Last evaluated: 2017-08-21. Review status: criteria provided, single submitter. Criteria: ACMG Guidelines, 2015. Collection method: clinical testing. Allele origin: germline. Study: Canadian Open Genetics Repository.

GeneDx
Classification: Benign. Last evaluated: 2016-11-21. Review status: criteria provided, single submitter. Criteria: GeneDx Variant Classification (06012015). Collection method: clinical testing. Allele origin: germline. Affected: yes.
Comment: This variant is considered likely benign or benign based on one or more of the following criteria: it is a conservative change, it occurs at a poorly conserved position in the protein, it is predicted to be benign by multiple in silico algorithms, and/or has population frequency not consistent with disease.

Ambry Genetics
Classification: Benign for Cardiovascular phenotype. Last evaluated: 2016-01-11. Review status: criteria provided, single submitter. Criteria: Ambry Variant Classification Scheme 2023. Collection method: clinical testing. Allele origin: germline.

Laboratory for Molecular Medicine, Mass General Brigham Personalized Medicine
Classification: Benign. Last evaluated: 2012-03-19. Review status: criteria provided, single submitter. Criteria: LMM Criteria. Collection method: clinical testing. Allele origin: germline. Observed: 6 variant alleles.
Comment: c.-5C>A in Exon 03 of MYH6: This variant is not expected to have clinical signif icance because it has been identified in 1.8% (67/3738) of African American chro mosomes from a broad population by the NHLBI Exome Sequencing Project (s.;).

NM_002471.4(MYH6):c.-5C>A

Genes: MYH6 (myosin heavy chain 6; minus strand), LOC114827851 (VISTA enhancer hs2155; plus strand). Cytogenetic location: 14q11.2.
Variant type: single nucleotide variant.
Coding change: c.-5C>A on transcript NM_002471.4 (MANE Select); 5 bases upstream of the start codon, C replaced by A.
Molecular consequence: 5 prime UTR variant.
Genome position (GRCh38, 1-based): chr14:23,407,228, G>T on the plus strand (C>A on the coding strand, the complement: MYH6 is on the minus strand). VCF-style: chr14-23407228-G-T. GRCh37 (hg19) VCF-style: chr14-23876437-G-T.
Identifiers: ClinVar variation 164261 (VCV000164261.20), dbSNP rs183611755, ClinGen allele CA176984.
Genomic context (GRCh38, chr14:23,407,228, plus strand): 5'-GACTTGCGGAGGTACTGGGCCGCTGCCCCAAAGTCAGCCATCTGGGCATCGGTCATCTTG[G>T]TGCTTCCCCTGGGTCAGAGACAGGAGGGCTATGTTACTCCTGAGGGAGCCCAGGCTCCAG-3'